The following is an entry in ClinVar:

NM_018051.5(DYNC2I1):c.471G>A (p.Ala157=)

Gene: DYNC2I1 (dynein 2 intermediate chain 1; plus strand). Cytogenetic location: 7q36.3.
Variant type: single nucleotide variant.
Coding change: c.471G>A on transcript NM_018051.5 (MANE Select); coding-DNA position 471, G replaced by A.
Protein change: p.Ala157=; no amino-acid change (alanine 157 retained).
Molecular consequence: synonymous variant. On other transcripts: 5 prime UTR variant (4).
Genome position (GRCh38, 1-based): chr7:158,871,543, G>A. VCF-style: chr7-158871543-G-A. GRCh37 (hg19) VCF-style: chr7-158664234-G-A.
Other names: c.333G>A, p.Ala111= (NM_001350914.2); c.-47G>A (NM_001350915.2); c.-888G>A (NM_001350916.2); c.-896G>A (NM_001350917.2); c.471G>A (NM_018051.4); c.-1015G>A (NM_001350918.2).
Identifiers: ClinVar variation 1285226 (VCV001285226.35), dbSNP rs375082266, ClinGen allele CA4594300.

ClinVar aggregate classification (germline): Likely benign. Review status: criteria provided, multiple submitters, no conflicts (2 of 4 stars). 6 submissions from 6 submitters: Likely benign (3). 3 of the submissions do not count toward it. Last evaluated 2026-01-08.

Conditions:
DYNC2I1-related disorder. Also called: DYNC2I1-related condition.
Short-rib thoracic dysplasia 8 with or without polydactyly (SRTD8). Also called: SHORT-RIB THORACIC DYSPLASIA 8 WITH POLYDACTYLY. Identifiers: Orphanet 93271, MedGen C3809691, MONDO:0014214, OMIM 615503.

Allele frequency attached by ClinVar (database versions not stated): ESP Exome Variant Server 0.00047.
gnomAD v4.1: 1,134 of 1,539,822 alleles (0.074%); highest among the groups gnomAD compares: Non-Finnish European, 0.087%; no homozygotes.

Submissions (6):

Labcorp Genetics (formerly Invitae), Labcorp
Classification: Likely benign for Short-rib thoracic dysplasia 8 with or without polydactyly. Last evaluated: 2026-01-08. Review status: criteria provided, single submitter. Criteria: Invitae Variant Classification Sherloc (09022015). Collection method: clinical testing. Allele origin: germline.

Blueprint Genetics
Classification: Likely benign. Last evaluated: 2024-11-23. Review status: criteria provided, single submitter. Criteria: ACMG Guidelines, 2015. Collection method: clinical testing. Allele origin: germline.

CeGaT Center for Human Genetics Tuebingen
Classification: Likely benign. Last evaluated: 2022-04-01. Review status: criteria provided, single submitter. Criteria: CeGaT Center For Human Genetics Tuebingen Variant Classification Criteria Version 2. Collection method: clinical testing. Allele origin: germline. Affected: yes. Observed: 1 variant allele.
Comment: DYNC2I1: BP4, BP7

PreventionGenetics, part of Exact Sciences
Classification: Likely benign for DYNC2I1-related condition. Last evaluated: 2019-05-24. Review status: no assertion criteria provided. Collection method: clinical testing. Allele origin: germline. Not counted in ClinVar's aggregate classification.
Comment: This variant is classified as likely benign based on ACMG/AMP sequence variant interpretation guidelines (Richards et al. 2015 PMID: 25741868, with internal and published modifications).

Clinical Genetics DNA and cytogenetics Diagnostics Lab, Erasmus MC, Erasmus Medical Center
Classification: Likely benign. Review status: no assertion criteria provided. Collection method: clinical testing. Allele origin: germline. Affected: yes. Study: VKGL Data-share Consensus. Not counted in ClinVar's aggregate classification.

Genome Diagnostics Laboratory, University Medical Center Utrecht
Classification: Likely benign. Review status: no assertion criteria provided. Collection method: clinical testing. Allele origin: germline. Affected: yes. Study: VKGL Data-share Consensus. Not counted in ClinVar's aggregate classification.